The following is an entry in ClinVar:

ClinVar aggregate classification (germline): Uncertain significance (1 of 4 stars; one submission).

Conditions:
Hereditary cancer-predisposing syndrome. Also called: Neoplastic Syndromes, Hereditary; Tumor predisposition; Hereditary Cancer Syndrome; Hereditary neoplastic syndrome. Identifiers: Orphanet 140162, MedGen C0027672, MeSH D009386, MONDO:0015356.

Submission:

Ambry Genetics
Classification: Uncertain significance for Hereditary cancer-predisposing syndrome. Last evaluated: 2021-10-26. Review status: criteria provided, single submitter. Criteria: Ambry Variant Classification Scheme 2023. Collection method: clinical testing. Allele origin: germline.
Comment: The p.I593L variant (also known as c.1777A>C), located in coding exon 6 of the BLM gene, results from an A to C substitution at nucleotide position 1777. The isoleucine at codon 593 is replaced by leucine, an amino acid with highly similar properties. This amino acid position is conserved. In addition, this alteration is predicted to be tolerated by in silico analysis. Since supporting evidence is limited at this time, the clinical significance of this alteration remains unclear.

NM_000057.4(BLM):c.1777A>C (p.Ile593Leu)

Gene: BLM (BLM RecQ like helicase; plus strand). Cytogenetic location: 15q26.1.
Variant type: single nucleotide variant.
Coding change: c.1777A>C on transcript NM_000057.4 (MANE Select); coding-DNA position 1777, A replaced by C.
Protein change: p.Ile593Leu; replaces isoleucine 593 with leucine.
Molecular consequence: missense variant.
Genome position (GRCh38, 1-based): chr15:90,761,150, A>C. VCF-style: chr15-90761150-A-C. GRCh37 (hg19) VCF-style: chr15-91304380-A-C.
Other names: c.1777A>C, p.Ile593Leu (NM_001287246.2, NM_001287247.2); c.652A>C, p.Ile218Leu (NM_001287248.2); short protein forms I218L, I593L.
Identifiers: ClinVar variation 1779892 (VCV001779892.2), dbSNP rs2505429011, ClinGen allele CA393843820.